The following is an entry in ClinVar:

NM_014806.5(RUSC2):c.438C>G (p.Phe146Leu)

Gene: RUSC2 (RUN and SH3 domain containing 2; plus strand). Cytogenetic location: 9p13.3.
Variant type: single nucleotide variant.
Coding change: c.438C>G on transcript NM_014806.5 (MANE Select); coding-DNA position 438, C replaced by G.
Protein change: p.Phe146Leu; replaces phenylalanine 146 with leucine.
Molecular consequence: missense variant. On other transcripts: non-coding transcript variant (1), intron variant (1).
Genome position (GRCh38, 1-based): chr9:35,546,959, C>G. VCF-style: chr9-35546959-C-G. GRCh37 (hg19) VCF-style: chr9-35546956-C-G.
Other names: c.438C>G, p.Phe146Leu (NM_001135999.2); c.-620-8101C>G (NM_001330740.2); short protein forms F146L.
Identifiers: ClinVar variation 1445209 (VCV001445209.7), dbSNP rs199503091, ClinGen allele CA5043466.

ClinVar aggregate classification (germline): Uncertain significance. Review status: criteria provided, multiple submitters, no conflicts (2 of 4 stars). 2 submissions from 2 submitters: Uncertain significance (2). Last evaluated 2026-02-03.

Conditions:
Intellectual developmental disorder, autosomal recessive 61. Also called: ALWADEI SYNDROME; MENTAL RETARDATION, AUTOSOMAL RECESSIVE 61; Intellectual disability, autosomal recessive 61. Identifiers: MedGen C4540424, MONDO:0030915, OMIM 617773.

Allele frequency attached by ClinVar (database versions not stated): TOPMed 0.00006; gnomAD exomes 0.00014 and 0.00005; ExAC 0.00015; 1000 Genomes Project 30x 0.00016; gnomAD 0.00004; 1000 Genomes Project 0.00020.
gnomAD v4.1: 103 of 1,579,028 alleles (0.0065%); highest among the groups gnomAD compares: East Asian, 0.17%; 1 homozygote.

Submissions (2):

Labcorp Genetics (formerly Invitae), Labcorp
Classification: Uncertain significance. Last evaluated: 2026-02-03. Review status: criteria provided, single submitter. Criteria: Invitae Variant Classification Sherloc (09022015). Collection method: clinical testing. Allele origin: germline.
Comment: This sequence change replaces phenylalanine, which is neutral and non-polar, with leucine, which is neutral and non-polar, at codon 146 of the RUSC2 protein (p.Phe146Leu). This variant is present in population databases (rs199503091, gnomAD 0.2%). This variant has not been reported in the literature in individuals affected with RUSC2-related conditions. ClinVar contains an entry for this variant (Variation ID: 1445209). An algorithm developed to predict the effect of missense changes on protein structure and function (PolyPhen-2) suggests that this variant is likely to be disruptive. In summary, the available evidence is currently insufficient to determine the role of this variant in disease. Therefore, it has been classified as a Variant of Uncertain Significance.

Department of Pathology and Laboratory Medicine, Sinai Health System
Classification: Uncertain significance for Intellectual developmental disorder, autosomal recessive 61. Last evaluated: 2021-07-30. Review status: criteria provided, single submitter. Criteria: ACMG Guidelines, 2015. Collection method: research. Allele origin: germline.